The following is an entry in ClinVar:

ClinVar aggregate classification (germline): Uncertain significance (1 of 4 stars; one submission).

Conditions:
Hypokalemic periodic paralysis, type 1. Also called: HypoPP; Hypokalemic Periodic Paralysis Type 1 (AD). Identifiers: Orphanet 681, MedGen C3714580, MONDO:0042979, OMIM 170400.
Malignant hyperthermia, susceptibility to, 5 (MHS5). Also called: CACNA1S-Related Malignant Hyperthermia Susceptibility. Identifiers: Orphanet 423, MedGen C1866077, MONDO:0011163, OMIM 601887.

Submission:

Labcorp Genetics (formerly Invitae), Labcorp
Classification: Uncertain significance for Hypokalemic periodic paralysis, type 1; Malignant hyperthermia, susceptibility to, 5. Last evaluated: 2024-08-21. Review status: criteria provided, single submitter. Criteria: Invitae Variant Classification Sherloc (09022015). Collection method: clinical testing. Allele origin: germline.
Comment: This sequence change replaces arginine, which is basic and polar, with glycine, which is neutral and non-polar, at codon 1733 of the CACNA1S protein (p.Arg1733Gly). This variant is not present in population databases (gnomAD no frequency). This variant has not been reported in the literature in individuals affected with CACNA1S-related conditions. Invitae Evidence Modeling of protein sequence and biophysical properties (such as structural, functional, and spatial information, amino acid conservation, physicochemical variation, residue mobility, and thermodynamic stability) indicates that this missense variant is not expected to disrupt CACNA1S protein function with a negative predictive value of 95%. In summary, the available evidence is currently insufficient to determine the role of this variant in disease. Therefore, it has been classified as a Variant of Uncertain Significance.

NM_000069.3(CACNA1S):c.5197A>G (p.Arg1733Gly)

Gene: CACNA1S (calcium voltage-gated channel subunit alpha1 S; minus strand). Cytogenetic location: 1q32.1.
Variant type: single nucleotide variant.
Coding change: c.5197A>G on transcript NM_000069.3 (MANE Select); coding-DNA position 5197, A replaced by G.
Protein change: p.Arg1733Gly; replaces arginine 1733 with glycine.
Molecular consequence: missense variant.
Genome position (GRCh38, 1-based): chr1:201,040,651, T>C on the plus strand (A>G on the coding strand, the complement: CACNA1S is on the minus strand). VCF-style: chr1-201040651-T-C. GRCh37 (hg19) VCF-style: chr1-201009779-T-C.
Other names: short protein forms R1733G.
Identifiers: ClinVar variation 3753577 (VCV003753577.2).